The following is an entry in ClinVar:

ClinVar aggregate classification (germline): Pathogenic (1 of 4 stars; one submission).

Submission:

CeGaT Center for Human Genetics Tuebingen
Classification: Pathogenic. Last evaluated: 2023-11-01. Review status: criteria provided, single submitter. Criteria: CeGaT Center For Human Genetics Tuebingen Variant Classification Criteria Version 2. Collection method: clinical testing. Allele origin: germline. Affected: yes. Observed: 1 variant allele.
Comment: KMT2C: PVS1, PM2, PS2:Moderate

NM_170606.3(KMT2C):c.4092+1G>A

Gene: KMT2C (lysine methyltransferase 2C; minus strand). Cytogenetic location: 7q36.1.
Variant type: single nucleotide variant.
Coding change: c.4092+1G>A on transcript NM_170606.3 (MANE Select); the canonical splice donor site of the intron after coding-DNA position 4092, G replaced by A.
Molecular consequence: splice donor variant.
Genome position (GRCh38, 1-based): chr7:152,202,933, C>T on the plus strand (G>A on the coding strand, the complement: KMT2C is on the minus strand). VCF-style: chr7-152202933-C-T. GRCh37 (hg19) VCF-style: chr7-151900018-C-T.
Identifiers: ClinVar variation 2673135 (VCV002673135.23), dbSNP rs2094191768, ClinGen allele CA370107776.